The following is an entry in ClinVar:

NM_002693.3(POLG):c.3626_3629dup (p.Tyr1210Ter)

Gene: POLG (DNA polymerase gamma, catalytic subunit; minus strand). Cytogenetic location: 15q26.1.
Variant type: Duplication.
Coding change: c.3626_3629dup on transcript NM_002693.3 (MANE Select); coding-DNA positions 3626 to 3629, 4 bases duplicated (GATA; older notation c.3626_3629dupGATA).
Protein change: p.Tyr1210Ter; replaces tyrosine 1210 with a stop codon.
Molecular consequence: nonsense.
Genome position (GRCh38, 1-based): chr15:89,317,390-89,317,393, TATC duplicated on the plus strand (GATA on the coding strand, the reverse complement: POLG is on the minus strand); duplicating any 4 consecutive bases within chr15:89,317,390-89,317,394 gives the same sequence; the c. name uses the placement nearest the transcript's 3' end. VCF-style (leftmost placement, unchanged base first): chr15-89317389-G-GTATC. GRCh37 (hg19) VCF-style: chr15-89860620-G-GTATC.
Other names: c.3626_3629dup, p.Tyr1210Ter (NM_001126131.2); short protein forms Y1210*.
Identifiers: ClinVar variation 2677952 (VCV002677952.4), dbSNP rs2055307723, ClinGen allele CA2194538941.

ClinVar aggregate classification (germline): Pathogenic/Likely pathogenic. Review status: criteria provided, multiple submitters, no conflicts (2 of 4 stars). 3 submissions from 3 submitters: Pathogenic (2); Likely pathogenic (1). Last evaluated 2025-09-01.

Conditions:
Progressive sclerosing poliodystrophy (MTDPS4A). Also called: ALPERS PROGRESSIVE INFANTILE POLIODYSTROPHY; NEURONAL DEGENERATION OF CHILDHOOD WITH LIVER DISEASE, PROGRESSIVE; Mitochondrial DNA depletion syndrome 4A (Alpers type); Mitochondrial DNA Depletion Syndrome 4A; Alpers-Huttenlocher Syndrome (AHS); Alpers Syndrome. Identifiers: Orphanet 726, MedGen C0205710, MONDO:0008758, OMIM 203700.
Mitochondrial DNA depletion syndrome 4b. Also called: Mitochondrial Neurogastrointestinal Encephalopathy Disease, POLG-Related; MNGIE, POLG-RELATED. Identifiers: Orphanet 298, MedGen C3150914, MONDO:0013350, OMIM 613662.
Progressive external ophthalmoplegia with mitochondrial DNA deletions, autosomal recessive 1 (PEOB1). Also called: Progressive external ophthalmoplegia, autosomal recessive 1; Autosomal Recessive Progressive External Ophthalmoplegia (arPEO). Identifiers: Orphanet 254886, MedGen C4225153, MONDO:0009783, OMIM 258450.
Progressive external ophthalmoplegia with mitochondrial DNA deletions, autosomal dominant 1 (PEOA1). Also called: PROGRESSIVE EXTERNAL OPHTHALMOPLEGIA, AUTOSOMAL DOMINANT 1; Autosomal Dominant Progressive External Ophthalmoplegia (adPEO). Identifiers: MedGen C1834846, MONDO:0024528, OMIM 157640.
Sensory ataxic neuropathy, dysarthria, and ophthalmoparesis (SANDO). Also called: Sensory ataxic neuropathy-dysarthria-ophthalmoparesis syndrome; Epilepsy, progressive myoclonic, type 5; SENSORY ATAXIC NEUROPATHY WITH MITOCHONDRIAL DNA DELETIONS, AUTOSOMAL RECESSIVE; Ataxia Neuropathy Spectrum (ANS). Identifiers: Orphanet 70595, MedGen C1843851, MONDO:0011835, OMIM 607459.

Submissions (3):

Labcorp Genetics (formerly Invitae), Labcorp
Classification: Pathogenic for Progressive sclerosing poliodystrophy. Last evaluated: 2025-09-01. Review status: criteria provided, single submitter. Criteria: Invitae Variant Classification Sherloc (09022015). Collection method: clinical testing. Allele origin: germline.
Comment: This sequence change creates a premature translational stop signal (p.Tyr1210*) in the POLG gene. While this is not anticipated to result in nonsense mediated decay, it is expected to disrupt the last 30 amino acid(s) of the POLG protein. This variant is not present in population databases (gnomAD no frequency). This premature translational stop signal has been observed in individual(s) with autosomal recessive POLG-related conditions (PMID: 20691285, 30385167, 30423451). In at least one individual the data is consistent with being in trans (on the opposite chromosome) from a pathogenic variant. ClinVar contains an entry for this variant (Variation ID: 2677952). Algorithms developed to predict the effect of sequence changes on RNA splicing suggest that this variant may disrupt the consensus splice site. For these reasons, this variant has been classified as Pathogenic.

Fulgent Genetics
Classification: Likely pathogenic for Progressive external ophthalmoplegia with mitochondrial DNA deletions, autosomal dominant 1; Progressive sclerosing poliodystrophy; Progressive external ophthalmoplegia with mitochondrial DNA deletions, autosomal recessive 1; Sensory ataxic neuropathy, dysarthria, and ophthalmoparesis; Mitochondrial DNA depletion syndrome 4b. Last evaluated: 2024-06-17. Review status: criteria provided, single submitter. Criteria: ACMG Guidelines, 2015. Collection method: clinical testing. Allele origin: germline.

Baylor Genetics
Classification: Pathogenic for Progressive sclerosing poliodystrophy. Last evaluated: 2023-11-14. Review status: criteria provided, single submitter. Criteria: ACMG Guidelines, 2015. Collection method: clinical testing. Allele origin: unknown.

Literature cited by the submitters: PubMed 20691285 (cited by Labcorp Genetics (formerly Invitae), Labcorp); PubMed 30385167 (cited by Labcorp Genetics (formerly Invitae), Labcorp); PubMed 30423451 (cited by Labcorp Genetics (formerly Invitae), Labcorp).